The following is an entry in ClinVar:

ClinVar aggregate classification (germline): Uncertain significance. Review status: criteria provided, multiple submitters, no conflicts (2 of 4 stars). 2 submissions from 2 submitters: Uncertain significance (2). Last evaluated 2025-03-12.

gnomAD v4.1: 3 of 1,590,982 alleles (0.00019%); highest among the groups gnomAD compares: Admixed American, 0.0051%; no homozygotes.

Submissions (2):

Labcorp Genetics (formerly Invitae), Labcorp
Classification: Uncertain significance. Last evaluated: 2025-03-12. Review status: criteria provided, single submitter. Criteria: Invitae Variant Classification Sherloc (09022015). Collection method: clinical testing. Allele origin: germline.
Comment: This sequence change replaces cysteine, which is neutral and slightly polar, with tyrosine, which is neutral and polar, at codon 181 of the GEN1 protein (p.Cys181Tyr). This variant is present in population databases (no rsID available, gnomAD 0.009%). This variant has not been reported in the literature in individuals affected with GEN1-related conditions. An algorithm developed to predict the effect of missense changes on protein structure and function (PolyPhen-2) suggests that this variant is likely to be disruptive. In summary, the available evidence is currently insufficient to determine the role of this variant in disease. Therefore, it has been classified as a Variant of Uncertain Significance.

Ambry Genetics
Classification: Uncertain significance. Last evaluated: 2024-12-12. Review status: criteria provided, single submitter. Criteria: Ambry Variant Classification Scheme 2023. Collection method: clinical testing. Allele origin: germline.
Comment: The p.C181Y variant (also known as c.542G>A), located in coding exon 4 of the GEN1 gene, results from a G to A substitution at nucleotide position 542. The cysteine at codon 181 is replaced by tyrosine, an amino acid with highly dissimilar properties. This amino acid position is conserved. In addition, this alteration is predicted to be deleterious by in silico analysis. Based on the available evidence, the clinical significance of this variant remains unclear.

NM_001130009.3(GEN1):c.542G>A (p.Cys181Tyr)

Gene: GEN1 (GEN1 structure-specific endonuclease; plus strand). Cytogenetic location: 2p24.2.
Variant type: single nucleotide variant.
Coding change: c.542G>A on transcript NM_001130009.3 (MANE Select); coding-DNA position 542, G replaced by A.
Protein change: p.Cys181Tyr; replaces cysteine 181 with tyrosine.
Molecular consequence: missense variant.
Genome position (GRCh38, 1-based): chr2:17,766,595, G>A. VCF-style: chr2-17766595-G-A. GRCh37 (hg19) VCF-style: chr2-17947862-G-A.
Other names: c.542G>A, p.Cys181Tyr (NM_182625.5); short protein forms C181Y.
Identifiers: ClinVar variation 3853421 (VCV003853421.2).